The following is an entry in ClinVar:

ClinVar aggregate classification (germline): Conflicting classifications of pathogenicity. Review status: criteria provided, conflicting classifications (1 of 4 stars). 2 submissions from 2 submitters: Likely pathogenic (1); Uncertain significance (1). Last evaluated 2025-08-15.

Conditions:
Hereditary cancer-predisposing syndrome. Also called: Hereditary Cancer Syndrome; Hereditary neoplastic syndrome; Neoplastic Syndromes, Hereditary; Tumor predisposition. Identifiers: Orphanet 140162, MedGen C0027672, MeSH D009386, MONDO:0015356.
Familial adenomatous polyposis 2. Also called: MUTYH-associated polyposis; MUTYH-related attenuated familial adenomatous polyposis; FAP type 2; Adenomas, multiple colorectal; MYH-associated polyposis; MUTYH Polyposis. Identifiers: Orphanet 220460, Orphanet 247798, MedGen C3272841, MONDO:0012041, OMIM 608456.

gnomAD v4.1: 1 of 1,614,036 alleles (0.000062%); no homozygotes.

Submissions (2):

Ambry Genetics
Classification: Likely pathogenic for Hereditary cancer-predisposing syndrome. Last evaluated: 2025-08-15. Review status: criteria provided, single submitter. Criteria: Ambry Variant Classification Scheme 2023. Collection method: clinical testing. Allele origin: germline.
Comment: The p.L401P variant (also known as c.1202T>C), located in coding exon 13 of the MUTYH gene, results from a T to C substitution at nucleotide position 1202. The leucine at codon 401 is replaced by proline, an amino acid with similar properties. In a massively parallel cell-based functional assay testing 7,8-dihydro-8-oxoguanine:adenine (8OG:A) repair activity, a byproduct of oxidative damage, this variant was reported to be non-functional (Hemker SL et al. Am J Hum Genet. Published online July 29, 2025. DOI: 10.1016/j.ajhg.2025.07.005). This amino acid position is well conserved in available vertebrate species. In addition, this alteration is predicted to be deleterious by in silico analysis. This variant is considered to be rare based on population cohorts in the Genome Aggregation Database (gnomAD). Based on the majority of available evidence to date, this variant is likely to be pathogenic.

Labcorp Genetics (formerly Invitae), Labcorp
Classification: Uncertain significance for Familial adenomatous polyposis 2. Last evaluated: 2022-06-24. Review status: criteria provided, single submitter. Criteria: Invitae Variant Classification Sherloc (09022015). Collection method: clinical testing. Allele origin: germline.
Comment: In summary, the available evidence is currently insufficient to determine the role of this variant in disease. Therefore, it has been classified as a Variant of Uncertain Significance. Algorithms developed to predict the effect of missense changes on protein structure and function (SIFT, PolyPhen-2, Align-GVGD) all suggest that this variant is likely to be disruptive. This variant has not been reported in the literature in individuals affected with MUTYH-related conditions. This variant is not present in population databases (gnomAD no frequency). This sequence change replaces leucine, which is neutral and non-polar, with proline, which is neutral and non-polar, at codon 401 of the MUTYH protein (p.Leu401Pro).

Literature cited by the submitters: PubMed 40738107 (cited by Ambry Genetics).

NM_001048174.2(MUTYH):c.1118T>C (p.Leu373Pro)

Gene: MUTYH (mutY DNA glycosylase; minus strand). Cytogenetic location: 1p34.1.
Variant type: single nucleotide variant.
Coding change: c.1118T>C on transcript NM_001048174.2 (MANE Select); coding-DNA position 1118, T replaced by C.
Protein change: p.Leu373Pro; replaces leucine 373 with proline.
Molecular consequence: missense variant. On other transcripts: non-coding transcript variant (2).
Genome position (GRCh38, 1-based): chr1:45,331,541, A>G on the plus strand (T>C on the coding strand, the complement: MUTYH is on the minus strand). VCF-style: chr1-45331541-A-G. GRCh37 (hg19) VCF-style: chr1-45797213-A-G.
Other names: c.1118T>C, p.Leu373Pro (NM_001048171.2, NM_001048173.2, NM_001293195.2 and 6 more transcripts); c.1121T>C, p.Leu374Pro (NM_001048172.2, NM_001407078.1, NM_001407086.1 and 1 more transcripts); c.1202T>C, p.Leu401Pro (NM_001128425.2); c.1163T>C, p.Leu388Pro (NM_001293190.2); c.1151T>C, p.Leu384Pro (NM_001293191.2, NM_001407069.1, NM_001407077.1); c.842T>C, p.Leu281Pro (NM_001293192.2, NM_001407091.1, NM_001293196.2); c.1079T>C, p.Leu360Pro (NM_001407079.1); c.1076T>C, p.Leu359Pro (NM_001407080.1); and 5 more; short protein forms L258P, L360P, L380P, L384P, L398P, L359P, L373P, L374P.
Identifiers: ClinVar variation 1747978 (VCV001747978.8), dbSNP rs1557461836, ClinGen allele CA340133151.